The following is an entry in ClinVar:

ClinVar aggregate classification (germline): Uncertain significance. Review status: criteria provided, multiple submitters, no conflicts (2 of 4 stars). 2 submissions from 2 submitters: Uncertain significance (2). Last evaluated 2025-01-14.

Conditions:
Inborn genetic diseases. Identifiers: MedGen C0950123, MeSH D030342.

Allele frequency attached by ClinVar (database versions not stated): gnomAD exomes 0.00001; ExAC 0.00002; TOPMed 0.00002.
gnomAD v4.1: 6 of 1,614,210 alleles (0.00037%); highest among the groups gnomAD compares: Admixed American, 0.0083%; no homozygotes.

Submissions (2):

Ambry Genetics
Classification: Uncertain significance for Inborn genetic diseases. Last evaluated: 2025-01-14. Review status: criteria provided, single submitter. Criteria: Ambry Variant Classification Scheme 2023. Collection method: clinical testing. Allele origin: germline.

Labcorp Genetics (formerly Invitae), Labcorp
Classification: Uncertain significance. Last evaluated: 2022-06-28. Review status: criteria provided, single submitter. Criteria: Invitae Variant Classification Sherloc (09022015). Collection method: clinical testing. Allele origin: germline.
Comment: In summary, the available evidence is currently insufficient to determine the role of this variant in disease. Therefore, it has been classified as a Variant of Uncertain Significance. Algorithms developed to predict the effect of missense changes on protein structure and function output the following: SIFT: "Tolerated"; PolyPhen-2: "Benign"; Align-GVGD: "Class C0". The lysine amino acid residue is found in multiple mammalian species, which suggests that this missense change does not adversely affect protein function. This variant has not been reported in the literature in individuals affected with LAMA1-related conditions. This variant is present in population databases (rs748262037, gnomAD 0.02%). This sequence change replaces glutamic acid, which is acidic and polar, with lysine, which is basic and polar, at codon 1741 of the LAMA1 protein (p.Glu1741Lys).

NM_005559.4(LAMA1):c.5221G>A (p.Glu1741Lys)

Gene: LAMA1 (laminin subunit alpha 1; minus strand). Cytogenetic location: 18p11.31.
Variant type: single nucleotide variant.
Coding change: c.5221G>A on transcript NM_005559.4 (MANE Select); coding-DNA position 5221, G replaced by A.
Protein change: p.Glu1741Lys; replaces glutamic acid 1741 with lysine.
Molecular consequence: missense variant.
Genome position (GRCh38, 1-based): chr18:6,986,295, C>T on the plus strand (G>A on the coding strand, the complement: LAMA1 is on the minus strand). VCF-style: chr18-6986295-C-T. GRCh37 (hg19) VCF-style: chr18-6986294-C-T.
Other names: c.5221G>A (NM_005559.3); short protein forms E1741K.
Identifiers: ClinVar variation 2166505 (VCV002166505.5), dbSNP rs748262037, ClinGen allele CA8881658.